The following is an entry in ClinVar:

NM_001277115.2(DNAH11):c.6210T>G (p.Ile2070Met)

Gene: DNAH11 (dynein axonemal heavy chain 11; plus strand). Cytogenetic location: 7p15.3.
Variant type: single nucleotide variant.
Coding change: c.6210T>G on transcript NM_001277115.2 (MANE Select); coding-DNA position 6210, T replaced by G.
Protein change: p.Ile2070Met; replaces isoleucine 2070 with methionine.
Molecular consequence: missense variant.
Genome position (GRCh38, 1-based): chr7:21,702,739, T>G. VCF-style: chr7-21702739-T-G. GRCh37 (hg19) VCF-style: chr7-21742357-T-G.
Other names: c.6231T>G, p.Ile2077Met (NM_003777.3); c.6210T>G (NM_001277115.1); short protein forms I2070M, I2077M.
Identifiers: ClinVar variation 1983637 (VCV001983637.6), dbSNP rs773630976, ClinGen allele CA4180732.

ClinVar aggregate classification (germline): Conflicting classifications of pathogenicity. Review status: criteria provided, conflicting classifications (1 of 4 stars). 2 submissions from 2 submitters: Uncertain significance (1); Likely benign (1). Last evaluated 2025-10-03.

Conditions:
Primary ciliary dyskinesia. Also called: Ciliary dyskinesia. Identifiers: Orphanet 244, MedGen C0008780, MONDO:0016575, HP:0012265.

Allele frequency attached by ClinVar (database versions not stated): gnomAD exomes below 0.00001; ExAC 0.00001.
gnomAD v4.1: 5 of 1,613,760 alleles (0.00031%); highest among the groups gnomAD compares: South Asian, 0.0022%; no homozygotes.

Submissions (2):

Labcorp Genetics (formerly Invitae), Labcorp
Classification: Likely benign for Primary ciliary dyskinesia. Last evaluated: 2025-10-03. Review status: criteria provided, single submitter. Criteria: Invitae Variant Classification Sherloc (09022015). Collection method: clinical testing. Allele origin: germline.

Ambry Genetics
Classification: Uncertain significance for Primary ciliary dyskinesia. Last evaluated: 2023-02-26. Review status: criteria provided, single submitter. Criteria: Ambry Variant Classification Scheme 2023. Collection method: clinical testing. Allele origin: germline.
Comment: The p.I2070M variant (also known as c.6210T>G), located in coding exon 37 of the DNAH11 gene, results from a T to G substitution at nucleotide position 6210. The isoleucine at codon 2070 is replaced by methionine, an amino acid with highly similar properties. This amino acid position is conserved. In addition, this alteration is predicted to be tolerated by in silico analysis. Since supporting evidence is limited at this time, the clinical significance of this alteration remains unclear.